The following is an entry in ClinVar:

NC_012920.1(MT-TF):m.586G>A

Gene: MT-TF (mitochondrially encoded tRNA phenylalanine; plus strand).
Variant type: single nucleotide variant.
Genome position: chrM-586-G-A.
Other names: 586G-A.
Identifiers: ClinVar variation 30005 (VCV000030005.3), dbSNP rs387906734, ClinGen allele CA128831.

ClinVar aggregate classification (germline): Uncertain significance. Review status: reviewed by expert panel (3 of 4 stars). 3 submissions from 3 submitters: Uncertain significance (1). 2 of the submissions do not count toward it. Last evaluated 2024-06-10.

Conditions:
Mitochondrial disease. Also called: Mitochondrial disorder; Mitochondrial disorders. Identifiers: Orphanet 68380, MedGen C0751651, MeSH D028361, MONDO:0044970.
Mitochondrial encephalopathy. Identifiers: MedGen C1852373, HP:0006789.
MELAS syndrome (MELAS). Also called: Juvenile myopathy, encephalopathy, lactic acidosis, stroke. Identifiers: Orphanet 550, MedGen C0162671, MONDO:0010789, OMIM 540000.

Submissions (3):

ClinGen Mitochondrial Disease Nuclear and Mitochondrial  Variant Curation Expert Panel, ClinGen
Classification: Uncertain significance for Mitochondrial disease. Last evaluated: 2024-06-10. Review status: reviewed by expert panel. Criteria: clingen mito disease acmg specifications v1-1. Collection method: curation. Allele origin: germline. Inheritance: Mitochondrial inheritance.
Comment: The m.586G>A variant in MT-TF has been reported in two unrelated individuals with primary mitochondrial disease (PS4_supporting; PMIDs: 21060018, 31463198). Brain imaging showed generalized cerebral, cerebellar, and brainstem atrophy. Cerebrospinal fluid lactate was elevated. Muscle biopsy showed ragged red fibers and COX-deficient fibers. The variant was present in muscle at 85% heteroplasmy, urinary epithelia at 29%, and blood at 3%. Brain imaging was normal. Lactate was elevated in blood. Muscle biopsy showed ragged red fibers, COX-negative fibers, and mitochondrial respiratory chain complexes I, III, and IV deficiency. The variant was present at >90% in muscle, 40% in urinary epithelia, and was present at trace levels in blood. The variant was undetectable in his mother’s blood and urinary epithelia (PM6_supporting; PMID: 31463198). This variant is absent in the GenBank dataset, Helix dataset, and gnomAD v3.1.2 (PM2_supporting). The computational predictor MitoTIP suggests this variant is pathogenic (89.7 percentile) and HmtVAR predicts it to be pathogenic score of 0.6 (PP3). Single fiber testing showed higher levels of the variant in COX-deficient fibers (99.4±0.2%, n=11) than in COX-positive fibers (72.1±8.5%, n=9; p<0.001; PS3_supporting, PMID: 21060018). In summary, this variant meets criteria to be classified as uncertain significance for primary mitochondrial disease inherited in a mitochondrial manner. This classification was approved by the NICHD/NINDS U24 ClinGen Mitochondrial Disease Variant Curation Expert Panel on June 10, 2024. Mitochondrial DNA-specific ACMG/AMP criteria applied (PMID: 32906214): PS4_supporting, PM6_supporting, PP3, PS3_supporting, PM2_supporting.

Wong Mito Lab, Molecular and Human Genetics, Baylor College of Medicine
Classification: Pathogenic for MELAS syndrome. Last evaluated: 2019-07-12. Review status: criteria provided, single submitter. Criteria: Modified ACMG Guidelines (Unpublished). Collection method: clinical testing. Allele origin: germline. Not counted in ClinVar's aggregate classification.
Comment: The NC_012920.1:m.586G>A variant in MT-TF gene is interpreted to be a Pathogenic variant based on the modified ACMG guidelines (unpublished). This variant meets the following evidence codes reported in the guidelines: PS3, PM7, PM8, PM9

OMIM
Classification: Pathogenic for ENCEPHALOPATHY, MITOCHONDRIAL. Last evaluated: 2010-11-01. Review status: no assertion criteria provided. Collection method: literature only. Allele origin: germline. Not counted in ClinVar's aggregate classification.

Literature cited by the submitters: PubMed 21060018 (cited by ClinGen Mitochondrial Disease Nuclear and Mitochondrial  Variant Curation Expert Panel, ClinGen and OMIM); PubMed 31965079 (cited by Wong Mito Lab, Molecular and Human Genetics, Baylor College of Medicine); PubMed 18842121 (cited by Wong Mito Lab, Molecular and Human Genetics, Baylor College of Medicine); PubMed 14597761 (cited by Wong Mito Lab, Molecular and Human Genetics, Baylor College of Medicine).